The following is an entry in ClinVar:

NM_003108.4(SOX11):c.338A>G (p.Tyr113Cys)

Gene: SOX11 (SRY-box transcription factor 11; plus strand). Cytogenetic location: 2p25.2.
Variant type: single nucleotide variant.
Coding change: c.338A>G on transcript NM_003108.4 (MANE Select); coding-DNA position 338, A replaced by G.
Protein change: p.Tyr113Cys; replaces tyrosine 113 with cysteine.
Molecular consequence: missense variant.
Genome position (GRCh38, 1-based): chr2:5,693,059, A>G. VCF-style: chr2-5693059-A-G. GRCh37 (hg19) VCF-style: chr2-5833191-A-G.
Other names: short protein forms Y113C.
Identifiers: ClinVar variation 1719978 (VCV001719978.5), dbSNP rs2465087530, ClinGen allele CA345866493.

ClinVar aggregate classification (germline): Uncertain significance (1 of 4 stars; one submission).

Submission:

Labcorp Genetics (formerly Invitae), Labcorp
Classification: Uncertain significance. Last evaluated: 2022-09-21. Review status: criteria provided, single submitter. Criteria: Invitae Variant Classification Sherloc (09022015). Collection method: clinical testing. Allele origin: germline.
Comment: This variant is not present in population databases (gnomAD no frequency). In summary, the available evidence is currently insufficient to determine the role of this variant in disease. Therefore, it has been classified as a Variant of Uncertain Significance. Advanced modeling of protein sequence and biophysical properties (such as structural, functional, and spatial information, amino acid conservation, physicochemical variation, residue mobility, and thermodynamic stability) performed at Invitae indicates that this missense variant is expected to disrupt SOX11 protein function. This variant has not been reported in the literature in individuals affected with SOX11-related conditions. This sequence change replaces tyrosine, which is neutral and polar, with cysteine, which is neutral and slightly polar, at codon 113 of the SOX11 protein (p.Tyr113Cys).